The following is an entry in ClinVar:

NM_001792.5(CDH2):c.2242C>T (p.Arg748Cys)

Gene: CDH2 (cadherin 2; minus strand). Cytogenetic location: 18q12.1.
Variant type: single nucleotide variant.
Coding change: c.2242C>T on transcript NM_001792.5 (MANE Select); coding-DNA position 2242, C replaced by T.
Protein change: p.Arg748Cys; replaces arginine 748 with cysteine.
Molecular consequence: missense variant.
Genome position (GRCh38, 1-based): chr18:27,983,051, G>A on the plus strand (C>T on the coding strand, the complement: CDH2 is on the minus strand). VCF-style: chr18-27983051-G-A. GRCh37 (hg19) VCF-style: chr18-25563015-G-A.
Other names: c.2149C>T, p.Arg717Cys (NM_001308176.2); short protein forms R717C, R748C.
Identifiers: ClinVar variation 1899385 (VCV001899385.5), dbSNP rs199937130, ClinGen allele CA8923194.

ClinVar aggregate classification (germline): Uncertain significance (1 of 4 stars; one submission).

Allele frequency attached by ClinVar (database versions not stated): gnomAD 0.00001; ExAC 0.00002; TOPMed 0.00002.
gnomAD v4.1: 30 of 1,612,178 alleles (0.0019%); highest among the groups gnomAD compares: Non-Finnish European, 0.0017%; no homozygotes.

Submission:

Labcorp Genetics (formerly Invitae), Labcorp
Classification: Uncertain significance. Last evaluated: 2024-06-18. Review status: criteria provided, single submitter. Criteria: Invitae Variant Classification Sherloc (09022015). Collection method: clinical testing. Allele origin: germline.
Comment: This sequence change replaces arginine, which is basic and polar, with cysteine, which is neutral and slightly polar, at codon 748 of the CDH2 protein (p.Arg748Cys). This variant is present in population databases (rs199937130, gnomAD 0.003%). This variant has not been reported in the literature in individuals affected with CDH2-related conditions. ClinVar contains an entry for this variant (Variation ID: 1899385). An algorithm developed to predict the effect of missense changes on protein structure and function (PolyPhen-2) suggests that this variant is likely to be disruptive. In summary, the available evidence is currently insufficient to determine the role of this variant in disease. Therefore, it has been classified as a Variant of Uncertain Significance.